The following is an entry in ClinVar:

NM_000276.4(OCRL):c.2587C>G (p.Leu863Val)

Gene: OCRL (OCRL inositol polyphosphate-5-phosphatase; plus strand). Cytogenetic location: Xq26.1.
Variant type: single nucleotide variant.
Coding change: c.2587C>G on transcript NM_000276.4 (MANE Select); coding-DNA position 2587, C replaced by G.
Protein change: p.Leu863Val; replaces leucine 863 with valine.
Molecular consequence: missense variant.
Genome position (GRCh38, 1-based): chrX:129,590,151, C>G. VCF-style: chrX-129590151-C-G. GRCh37 (hg19) VCF-style: chrX-128724128-C-G.
Other names: c.2590C>G, p.Leu864Val (NM_001318784.2); c.2563C>G, p.Leu855Val (NM_001587.4); short protein forms L864V, L855V, L863V.
Identifiers: ClinVar variation 1405960 (VCV001405960.6), dbSNP rs2124430719, ClinGen allele CA414632847.

ClinVar aggregate classification (germline): Uncertain significance (1 of 4 stars; one submission).

Conditions:
Lowe syndrome (OCRL). Also called: LOWE OCULOCEREBRORENAL SYNDROME; PHOSPHATIDYLINOSITOL 4,5-BISPHOSPHATE 5-PHOSPHATASE DEFICIENCY; Oculocerebrorenal Syndrome. Identifiers: Orphanet 534, MedGen C0028860, MONDO:0010645, OMIM 309000.

gnomAD v4.1: 1 of 1,211,728 alleles (0.000083%); highest among the groups gnomAD compares: Non-Finnish European, 0.00011%; no homozygotes.

Submission:

Labcorp Genetics (formerly Invitae), Labcorp
Classification: Uncertain significance for Lowe syndrome. Last evaluated: 2022-10-13. Review status: criteria provided, single submitter. Criteria: Invitae Variant Classification Sherloc (09022015). Collection method: clinical testing. Allele origin: germline.
Comment: In summary, the available evidence is currently insufficient to determine the role of this variant in disease. Therefore, it has been classified as a Variant of Uncertain Significance. Advanced modeling of protein sequence and biophysical properties (such as structural, functional, and spatial information, amino acid conservation, physicochemical variation, residue mobility, and thermodynamic stability) performed at Invitae indicates that this missense variant is not expected to disrupt OCRL protein function. ClinVar contains an entry for this variant (Variation ID: 1405960). This variant has not been reported in the literature in individuals affected with OCRL-related conditions. This variant is not present in population databases (gnomAD no frequency). This sequence change replaces leucine, which is neutral and non-polar, with valine, which is neutral and non-polar, at codon 863 of the OCRL protein (p.Leu863Val).